The following is an entry in ClinVar:

NM_001291303.3(FAT4):c.7542A>C (p.Lys2514Asn)

Gene: FAT4 (FAT atypical cadherin 4; plus strand). Cytogenetic location: 4q28.1.
Variant type: single nucleotide variant.
Coding change: c.7542A>C on transcript NM_001291303.3 (MANE Select); coding-DNA position 7542, A replaced by C.
Protein change: p.Lys2514Asn; replaces lysine 2514 with asparagine.
Molecular consequence: missense variant.
Genome position (GRCh38, 1-based): chr4:125,448,552, A>C. VCF-style: chr4-125448552-A-C. GRCh37 (hg19) VCF-style: chr4-126369707-A-C.
Other names: c.7542A>C, p.Lys2514Asn (NM_001291285.3); c.7536A>C, p.Lys2512Asn (NM_024582.6); short protein forms K2512N, K2514N.
Identifiers: ClinVar variation 1714852 (VCV001714852.5), dbSNP rs1950613501, ClinGen allele CA358140251.

ClinVar aggregate classification (germline): Uncertain significance (1 of 4 stars; one submission).

Submission:

Labcorp Genetics (formerly Invitae), Labcorp
Classification: Uncertain significance. Last evaluated: 2022-08-02. Review status: criteria provided, single submitter. Criteria: Invitae Variant Classification Sherloc (09022015). Collection method: clinical testing. Allele origin: germline.
Comment: In summary, the available evidence is currently insufficient to determine the role of this variant in disease. Therefore, it has been classified as a Variant of Uncertain Significance. Advanced modeling of protein sequence and biophysical properties (such as structural, functional, and spatial information, amino acid conservation, physicochemical variation, residue mobility, and thermodynamic stability) performed at Invitae indicates that this missense variant is not expected to disrupt FAT4 protein function. This variant has not been reported in the literature in individuals affected with FAT4-related conditions. This variant is not present in population databases (gnomAD no frequency). This sequence change replaces lysine, which is basic and polar, with asparagine, which is neutral and polar, at codon 2512 of the FAT4 protein (p.Lys2512Asn).